The following is an entry in ClinVar:

ClinVar aggregate classification (germline): Uncertain significance (1 of 4 stars; one submission).

Submission:

Labcorp Genetics (formerly Invitae), Labcorp
Classification: Uncertain significance. Last evaluated: 2023-08-10. Review status: criteria provided, single submitter. Criteria: Invitae Variant Classification Sherloc (09022015). Collection method: clinical testing. Allele origin: germline.
Comment: In summary, the available evidence is currently insufficient to determine the role of this variant in disease. Therefore, it has been classified as a Variant of Uncertain Significance. Advanced modeling of protein sequence and biophysical properties (such as structural, functional, and spatial information, amino acid conservation, physicochemical variation, residue mobility, and thermodynamic stability) performed at Invitae indicates that this missense variant is not expected to disrupt CDK13 protein function. ClinVar contains an entry for this variant (Variation ID: 1447741). This variant has not been reported in the literature in individuals affected with CDK13-related conditions. This variant is not present in population databases (gnomAD no frequency). This sequence change replaces glycine, which is neutral and non-polar, with aspartic acid, which is acidic and polar, at codon 347 of the CDK13 protein (p.Gly347Asp).

NM_003718.5(CDK13):c.1040G>A (p.Gly347Asp)

Gene: CDK13 (cyclin dependent kinase 13; plus strand). Cytogenetic location: 7p14.1.
Variant type: single nucleotide variant.
Coding change: c.1040G>A on transcript NM_003718.5 (MANE Select); coding-DNA position 1040, G replaced by A.
Protein change: p.Gly347Asp; replaces glycine 347 with aspartic acid.
Molecular consequence: missense variant.
Genome position (GRCh38, 1-based): chr7:39,951,681, G>A. VCF-style: chr7-39951681-G-A. GRCh37 (hg19) VCF-style: chr7-39991280-G-A.
Other names: c.1040G>A, p.Gly347Asp (NM_031267.4); short protein forms G347D.
Identifiers: ClinVar variation 1447741 (VCV001447741.7), dbSNP rs2116070194, ClinGen allele CA367311294.